The following is an entry in ClinVar:

ClinVar aggregate classification (germline): Uncertain significance (1 of 4 stars; one submission).

Conditions:
Spinocerebellar ataxia, autosomal recessive, with axonal neuropathy 2 (SCAN2). Also called: ATAXIA-OCULOMOTOR APRAXIA 2; Ataxia-ocular apraxia-2; Ataxia with Oculomotor Apraxia; Ataxia with Oculomotor Apraxia Type 2. Identifiers: Orphanet 64753, MedGen C1853761, MONDO:0018996, OMIM 606002.
Amyotrophic lateral sclerosis type 4 (ALS4). Also called: AMYOTROPHIC LATERAL SCLEROSIS 4, JUVENILE; NEURONOPATHY, DISTAL HEREDITARY MOTOR, WITH PYRAMIDAL FEATURES. Identifiers: Orphanet 357043, MedGen C1865409, MONDO:0011223, OMIM 602433.

gnomAD v4.1: 2 of 1,614,094 alleles (0.00012%); highest among the groups gnomAD compares: Non-Finnish European, 0.00017%; no homozygotes.

Submission:

Labcorp Genetics (formerly Invitae), Labcorp
Classification: Uncertain significance for Amyotrophic lateral sclerosis type 4; Spinocerebellar ataxia, autosomal recessive, with axonal neuropathy 2. Last evaluated: 2025-10-08. Review status: criteria provided, single submitter. Criteria: Invitae Variant Classification Sherloc (09022015). Collection method: clinical testing. Allele origin: germline.
Comment: This sequence change replaces glycine, which is neutral and non-polar, with alanine, which is neutral and non-polar, at codon 2546 of the SETX protein (p.Gly2546Ala). This variant is not present in population databases (gnomAD no frequency). This variant has not been reported in the literature in individuals affected with SETX-related conditions. Invitae Evidence Modeling of protein sequence and biophysical properties (such as structural, functional, and spatial information, amino acid conservation, physicochemical variation, residue mobility, and thermodynamic stability) indicates that this missense variant is not expected to disrupt SETX protein function with a negative predictive value of 95%. In summary, the available evidence is currently insufficient to determine the role of this variant in disease. Therefore, it has been classified as a Variant of Uncertain Significance.

NM_015046.7(SETX):c.7637G>C (p.Gly2546Ala)

Gene: SETX (senataxin; minus strand). Cytogenetic location: 9q34.13.
Variant type: single nucleotide variant.
Coding change: c.7637G>C on transcript NM_015046.7 (MANE Select); coding-DNA position 7637, G replaced by C.
Protein change: p.Gly2546Ala; replaces glycine 2546 with alanine.
Molecular consequence: missense variant.
Genome position (GRCh38, 1-based): chr9:132,264,636, C>G on the plus strand (G>C on the coding strand, the complement: SETX is on the minus strand). VCF-style: chr9-132264636-C-G. GRCh37 (hg19) VCF-style: chr9-135140023-C-G.
Other names: c.7637G>C, p.Gly2546Ala (NM_001351527.2); c.7724G>C, p.Gly2575Ala (NM_001351528.2); short protein forms G2546A, G2575A.
Identifiers: ClinVar variation 4790938 (VCV004790938.1).